The following is an entry in ClinVar:

ClinVar aggregate classification (germline): Uncertain significance (1 of 4 stars; one submission).

Conditions:
Mucopolysaccharidosis, MPS-III-B (MPS3B). Also called: N-ACETYL-ALPHA-D-GLUCOSAMINIDASE DEFICIENCY; NAGLU DEFICIENCY; SANFILIPPO SYNDROME B; MPS III B; Mucopolysaccharidosis type IIIB (Sanfilippo B); MPS IIIB (Sanfilippo Syndrome Type B). Identifiers: Orphanet 79270, MedGen C0086648, MONDO:0009656, OMIM 252920.
Charcot-Marie-Tooth disease axonal type 2V. Also called: CHARCOT-MARIE-TOOTH NEUROPATHY, TYPE 2V; CHARCOT-MARIE-TOOTH DISEASE, AXONAL, AUTOSOMAL DOMINANT, TYPE 2V. Identifiers: Orphanet 447964, MedGen C5569050, MONDO:0014665, OMIM 616491.

Submission:

Labcorp Genetics (formerly Invitae), Labcorp
Classification: Uncertain significance for Charcot-Marie-Tooth disease axonal type 2V; Mucopolysaccharidosis, MPS-III-B. Last evaluated: 2024-08-05. Review status: criteria provided, single submitter. Criteria: Invitae Variant Classification Sherloc (09022015). Collection method: clinical testing. Allele origin: germline.
Comment: This sequence change replaces tryptophan, which is neutral and slightly polar, with cysteine, which is neutral and slightly polar, at codon 347 of the NAGLU protein (p.Trp347Cys). This variant is not present in population databases (gnomAD no frequency). This variant has not been reported in the literature in individuals affected with NAGLU-related conditions. ClinVar contains an entry for this variant (Variation ID: 2006204). Advanced modeling of protein sequence and biophysical properties (such as structural, functional, and spatial information, amino acid conservation, physicochemical variation, residue mobility, and thermodynamic stability) performed at Invitae indicates that this missense variant is expected to disrupt NAGLU protein function with a positive predictive value of 95%. In summary, the available evidence is currently insufficient to determine the role of this variant in disease. Therefore, it has been classified as a Variant of Uncertain Significance.

NM_000263.4(NAGLU):c.1041G>T (p.Trp347Cys)

Gene: NAGLU (N-acetyl-alpha-glucosaminidase; plus strand). Cytogenetic location: 17q21.2.
Variant type: single nucleotide variant.
Coding change: c.1041G>T on transcript NM_000263.4 (MANE Select); coding-DNA position 1041, G replaced by T.
Protein change: p.Trp347Cys; replaces tryptophan 347 with cysteine.
Molecular consequence: missense variant.
Genome position (GRCh38, 1-based): chr17:42,543,047, G>T. VCF-style: chr17-42543047-G-T. GRCh37 (hg19) VCF-style: chr17-40695065-G-T.
Other names: short protein forms W347C.
Identifiers: ClinVar variation 2006204 (VCV002006204.4), dbSNP rs2510658609, ClinGen allele CA399600899.
Genomic context (GRCh38, chr17:42,543,047, plus strand): 5'-CATCACTCCTCTTCTCTGTTCCCCCTACCTCCTGTCCACAGTGGATACTGAGGCTGTGTG[G>T]CTGCTCCAAGGCTGGCTCTTCCAGCACCAGCCGCAGTTCTGGGGGCCCGCCCAGATCAGG-3'
Protein context (NP_000254.2, residues 337-357): AMTAVDTEAV[Trp347Cys]LLQGWLFQHQ